The following is an entry in ClinVar:

ClinVar aggregate classification (germline): Benign/Likely benign. Review status: criteria provided, multiple submitters, no conflicts (2 of 4 stars). 4 submissions from 4 submitters: Benign (2); Likely benign (2). Last evaluated 2026-02-01.

Allele frequency attached by ClinVar (database versions not stated): gnomAD 0.01245 and 0.01153; TOPMed 0.01334; 1000 Genomes Project 0.01358; gnomAD exomes 0.00103 and 0.00292; ESP Exome Variant Server 0.01353; ExAC 0.00366; 1000 Genomes Project 30x 0.01468.
gnomAD v4.1: 3,304 of 1,612,014 alleles (0.2%); highest among the groups gnomAD compares: African/African-American, 3.9%; 76 homozygotes.

Submissions (9):

Labcorp Genetics (formerly Invitae), Labcorp
Classification: Benign. Last evaluated: 2026-02-01. Review status: criteria provided, single submitter. Criteria: Invitae Variant Classification Sherloc (09022015). Collection method: clinical testing. Allele origin: germline.

Mayo Clinic Laboratories, Mayo Clinic
Classification: Benign. Last evaluated: 2024-02-19. Review status: criteria provided, single submitter. Criteria: ACMG Guidelines, 2015. Collection method: clinical testing. Allele origin: germline. Observed: 2 variant alleles.
Comment: BS1, BS2, BP4, BP7

GeneDx
Classification: Likely benign. Last evaluated: 2020-03-25. Review status: criteria provided, single submitter. Criteria: GeneDx Variant Classification Process June 2021. Collection method: clinical testing. Allele origin: germline. Affected: yes.

Breakthrough Genomics
Classification: Likely benign. Review status: criteria provided, single submitter. Criteria: ACMG Guidelines, 2015. Collection method: not provided. Allele origin: germline. Inheritance: Autosomal recessive inheritance. Affected: yes.

Dr. Peter K. Rogan Lab, Western University
No classification provided (evidence only). Condition: Clear cell carcinoma of kidney. Review status: no classification provided. Collection method: in vitro. Allele origin: not applicable. Functional consequence: retained intron. Not counted in ClinVar's aggregate classification.

Dr. Peter K. Rogan Lab, Western University
No classification provided (evidence only). Condition: Clear cell carcinoma of kidney. Review status: no classification provided. Collection method: in vitro. Allele origin: not applicable. Functional consequence: retained intron. Not counted in ClinVar's aggregate classification.

Dr. Peter K. Rogan Lab, Western University
No classification provided (evidence only). Condition: Lung cancer. Review status: no classification provided. Collection method: in vitro. Allele origin: not applicable. Functional consequence: retained intron. Not counted in ClinVar's aggregate classification.

Dr. Peter K. Rogan Lab, Western University
No classification provided (evidence only). Condition: Uterine corpus endometrial carcinoma. Review status: no classification provided. Collection method: in vitro. Allele origin: not applicable. Functional consequence: retained intron. Not counted in ClinVar's aggregate classification.

Dr. Peter K. Rogan Lab, Western University
No classification provided (evidence only). Condition: Ovarian serous cystadenocarcinoma. Review status: no classification provided. Collection method: in vitro. Allele origin: not applicable. Functional consequence: retained intron. Not counted in ClinVar's aggregate classification.

NM_002204.4(ITGA3):c.687C>T (p.Arg229=)

Gene: ITGA3 (integrin subunit alpha 3; plus strand). Cytogenetic location: 17q21.33.
Variant type: single nucleotide variant.
Coding change: c.687C>T on transcript NM_002204.4 (MANE Select); coding-DNA position 687, C replaced by T.
Protein change: p.Arg229=; no amino-acid change (arginine 229 retained).
Molecular consequence: synonymous variant.
Genome position (GRCh38, 1-based): chr17:50,070,866, C>T. VCF-style: chr17-50070866-C-T. GRCh37 (hg19) VCF-style: chr17-48148230-C-T.
Other names: p.Arg229=.
Identifiers: ClinVar variation 768897 (VCV000768897.15), dbSNP rs61730089, ClinGen allele CA8641319.